The following is an entry in ClinVar:

ClinVar aggregate classification (germline): Conflicting classifications of pathogenicity. Review status: criteria provided, conflicting classifications (1 of 4 stars). 9 submissions from 9 submitters: Uncertain significance (1); Benign (4); Likely benign (2). 2 of the submissions do not count toward it. Last evaluated 2026-02-03.

Conditions:
Alstrom syndrome (ALMS). Identifiers: Orphanet 64, MedGen C0268425, MONDO:0008763, OMIM 203800.

Allele frequency attached by ClinVar (database versions not stated): 1000 Genomes Project 0.00180; 1000 Genomes Project 30x 0.00219; gnomAD 0.00482 and 0.00489; TOPMed 0.00491; gnomAD exomes 0.00524 and 0.00824; ExAC 0.00566; ESP Exome Variant Server 0.00592.
gnomAD v4.1: 12,693 of 1,608,876 alleles (0.79%); highest among the groups gnomAD compares: South Asian, 1.3%; 80 homozygotes.

Submissions (9):

Labcorp Genetics (formerly Invitae), Labcorp
Classification: Benign for Alstrom syndrome. Last evaluated: 2026-02-03. Review status: criteria provided, single submitter. Criteria: Invitae Variant Classification Sherloc (09022015). Collection method: clinical testing. Allele origin: germline.

ARUP Laboratories, Molecular Genetics and Genomics, ARUP Laboratories
Classification: Benign for Alstrom syndrome. Last evaluated: 2024-12-17. Review status: criteria provided, single submitter. Criteria: ARUP Molecular Germline Variant Investigation Process 2024. Collection method: clinical testing. Allele origin: germline.

Blueprint Genetics
Classification: Likely benign. Last evaluated: 2024-11-25. Review status: criteria provided, single submitter. Criteria: ACMG Guidelines, 2015. Collection method: clinical testing. Allele origin: germline.

Women's Health and Genetics/Laboratory Corporation of America, LabCorp
Classification: Benign. Last evaluated: 2020-03-30. Review status: criteria provided, single submitter. Criteria: LabCorp Variant Classification Summary - May 2015. Collection method: clinical testing. Allele origin: germline.
Comment: Variant summary: ALMS1 c.11869+18G>A alters a nucleotide located close to a canonical splice site and therefore could affect mRNA splicing, leading to a significantly altered protein sequence. 4/4 computational tools predict no significant impact on normal splicing. However, these predictions have yet to be confirmed by functional studies. The variant allele was found at a frequency of 0.0052 in 245654 control chromosomes in the gnomAD database, including 8 homozygotes. The observed variant frequency is approximately 2.34 fold of the estimated maximal expected allele frequency for a pathogenic variant in ALMS1 causing Cardiomyopathy phenotype (0.0022), strongly suggesting that the variant is benign. To our knowledge, no occurrence of c.11869+18G>A in individuals affected with Cardiomyopathy and no experimental evidence demonstrating its impact on protein function have been reported. Two clinical diagnostic laboratories have submitted clinical-significance assessments for this variant to ClinVar after 2014 without evidence for independent evaluation. All laboratories classified the variant as benign/likely benign. Based on the evidence outlined above, the variant was classified as benign.

Center for Pediatric Genomic Medicine, Children's Mercy Hospital and Clinics
Classification: Likely benign. Last evaluated: 2017-03-20. Review status: criteria provided, single submitter. Criteria: ACMG Guidelines, 2015. Collection method: clinical testing. Allele origin: germline.

GeneDx
Classification: Benign. Last evaluated: 2016-10-11. Review status: criteria provided, single submitter. Criteria: GeneDx Variant Classification (06012015). Collection method: clinical testing. Allele origin: germline. Affected: yes.
Comment: This variant is considered likely benign or benign based on one or more of the following criteria: it is a conservative change, it occurs at a poorly conserved position in the protein, it is predicted to be benign by multiple in silico algorithms, and/or has population frequency not consistent with disease.

Clinical Genomics, Uppaluri K&H Personalized Medicine Clinic
Classification: Uncertain significance for Alstrom syndrome. Review status: criteria provided, single submitter. Criteria: K & H Uppaluri Personalized Medicine Clinic Variant Classification & Assertion Criteria_Updated V.1. Collection method: research. Allele origin: unknown. Inheritance: Autosomal recessive inheritance.
Comment: Potent mutations in ALMS1 are associated with a rare condition called Alstrom syndrome. It can cause excessive eating, insulin resistance. However, no literature is found to ascertain the role of rs139647347 in Alstrom syndrome yet.

Clinical Genetics, Academic Medical Center
Classification: Benign. Review status: no assertion criteria provided. Collection method: clinical testing. Allele origin: germline. Affected: yes. Study: VKGL Data-share Consensus. Not counted in ClinVar's aggregate classification.

Joint Genome Diagnostic Labs from Nijmegen and Maastricht, Radboudumc and MUMC+
Classification: Benign. Review status: no assertion criteria provided. Collection method: clinical testing. Allele origin: germline. Affected: yes. Study: VKGL Data-share Consensus. Not counted in ClinVar's aggregate classification.

Literature cited by the submitters: PubMed 34148947 (cited by Clinical Genomics, Uppaluri K&H Personalized Medicine Clinic).

NM_001378454.1(ALMS1):c.11872+18G>A

Gene: ALMS1 (ALMS1 centrosome and basal body associated protein; plus strand). Cytogenetic location: 2p13.1.
Variant type: single nucleotide variant.
Coding change: c.11872+18G>A on transcript NM_001378454.1 (MANE Select); 18 bases into the intron after coding-DNA position 11872, G replaced by A.
Molecular consequence: intron variant.
Genome position (GRCh38, 1-based): chr2:73,600,899, G>A. VCF-style: chr2-73600899-G-A. GRCh37 (hg19) VCF-style: chr2-73828026-G-A.
Other names: c.11872+18G>A (NM_015120.4); c.11875+18G>A (NM_015120.4).
Identifiers: ClinVar variation 387350 (VCV000387350.20), dbSNP rs139647347, ClinGen allele CA1715349.
Genomic context (GRCh38, chr2:73,600,899, plus strand): 5'-GAGGACAGAAAGTTAAAAAAGAACAAGAAGAATTCCCATGAAGGTCAGTTTCTCATTCCA[G>A]ATCTTGTAGTAGAGAAACTAGTGAATTTCAAGTCCCCTGCGATGCTGACTCTGTGTTTCC-3'